The following is an entry in ClinVar:

ClinVar aggregate classification (germline): Uncertain significance (1 of 4 stars; one submission).

gnomAD v4.1: 37 of 1,613,202 alleles (0.0023%); highest among the groups gnomAD compares: East Asian, 0.0045%; no homozygotes.

Submission:

Labcorp Genetics (formerly Invitae), Labcorp
Classification: Uncertain significance. Last evaluated: 2024-08-01. Review status: criteria provided, single submitter. Criteria: Invitae Variant Classification Sherloc (09022015). Collection method: clinical testing. Allele origin: germline.
Comment: This sequence change replaces threonine, which is neutral and polar, with methionine, which is neutral and non-polar, at codon 1538 of the NYNRIN protein (p.Thr1538Met). This variant is present in population databases (no rsID available, gnomAD 0.008%). This variant has not been reported in the literature in individuals affected with NYNRIN-related conditions. Experimental studies and prediction algorithms are not available or were not evaluated, and the functional significance of this variant is currently unknown. In summary, the available evidence is currently insufficient to determine the role of this variant in disease. Therefore, it has been classified as a Variant of Uncertain Significance.

NM_025081.3(NYNRIN):c.4613C>T (p.Thr1538Met)

Gene: NYNRIN (NYN domain and retroviral integrase containing; plus strand). Cytogenetic location: 14q12.
Variant type: single nucleotide variant.
Coding change: c.4613C>T on transcript NM_025081.3 (MANE Select); coding-DNA position 4613, C replaced by T.
Protein change: p.Thr1538Met; replaces threonine 1538 with methionine.
Molecular consequence: missense variant.
Genome position (GRCh38, 1-based): chr14:24,416,362, C>T. VCF-style: chr14-24416362-C-T. GRCh37 (hg19) VCF-style: chr14-24885568-C-T.
Other names: short protein forms T1538M.
Identifiers: ClinVar variation 3645024 (VCV003645024.2).